The following is an entry in ClinVar:

ClinVar aggregate classification (germline): Uncertain significance (1 of 4 stars; one submission).

Submission:

Labcorp Genetics (formerly Invitae), Labcorp
Classification: Uncertain significance. Last evaluated: 2022-08-17. Review status: criteria provided, single submitter. Criteria: Invitae Variant Classification Sherloc (09022015). Collection method: clinical testing. Allele origin: germline.
Comment: This variant is not present in population databases (gnomAD no frequency). In summary, the available evidence is currently insufficient to determine the role of this variant in disease. Therefore, it has been classified as a Variant of Uncertain Significance. Algorithms developed to predict the effect of missense changes on protein structure and function (SIFT, PolyPhen-2, Align-GVGD) all suggest that this variant is likely to be disruptive. This variant has not been reported in the literature in individuals affected with WHSC1-related conditions. This sequence change replaces arginine, which is basic and polar, with lysine, which is basic and polar, at codon 167 of the WHSC1 protein (p.Arg167Lys).

NM_001042424.3(NSD2):c.500G>A (p.Arg167Lys)

Gene: NSD2 (nuclear receptor binding SET domain protein 2; plus strand). Cytogenetic location: 4p16.3.
Variant type: single nucleotide variant.
Coding change: c.500G>A on transcript NM_001042424.3 (MANE Select); coding-DNA position 500, G replaced by A.
Protein change: p.Arg167Lys; replaces arginine 167 with lysine.
Molecular consequence: missense variant.
Genome position (GRCh38, 1-based): chr4:1,901,154, G>A. VCF-style: chr4-1901154-G-A. GRCh37 (hg19) VCF-style: chr4-1902881-G-A.
Other names: c.500G>A, p.Arg167Lys (NM_007331.2, NM_133330.3, NM_133331.3 and 2 more transcripts); short protein forms R167K.
Identifiers: ClinVar variation 2022597 (VCV002022597.4), dbSNP rs2474221647, ClinGen allele CA355993046.